The following is an entry in ClinVar:

NM_001267550.2(TTN):c.70739C>G (p.Thr23580Ser)

Genes: TTN (titin; minus strand), TTN-AS1 (TTN antisense RNA 1; plus strand). Cytogenetic location: 2q31.2.
Variant type: single nucleotide variant.
Coding change: c.70739C>G on transcript NM_001267550.2 (MANE Select); coding-DNA position 70739, C replaced by G.
Protein change: p.Thr23580Ser; replaces threonine 23580 with serine.
Molecular consequence: missense variant.
Genome position (GRCh38, 1-based): chr2:178,575,393, G>C on the plus strand (C>G on the coding strand, the complement: TTN is on the minus strand). VCF-style: chr2-178575393-G-C. GRCh37 (hg19) VCF-style: chr2-179440120-G-C.
Other names: c.65816C>G, p.Thr21939Ser (NM_001256850.1); c.43544C>G, p.Thr14515Ser (NM_003319.4); c.63035C>G, p.Thr21012Ser (NM_133378.4); c.43919C>G, p.Thr14640Ser (NM_133432.3); c.44120C>G, p.Thr14707Ser (NM_133437.4); c.70739C>G (NM_001267550.1); short protein forms T14515S, T14640S, T14707S, T21012S, T21939S, T23580S.
Identifiers: ClinVar variation 1329187 (VCV001329187.3), dbSNP rs779765346, ClinGen allele CA1990734.

ClinVar aggregate classification (germline): Uncertain significance. Review status: criteria provided, multiple submitters, no conflicts (2 of 4 stars). 2 submissions from 2 submitters: Uncertain significance (2). Last evaluated 2024-08-13.

Conditions:
Cardiomyopathy (CMYO). Also called: Cardiomyopathies. Identifiers: Orphanet 167848, MedGen C0878544, MONDO:0004994, HP:0001638. Inheritance: Various modes of inheritance.

Allele frequency attached by ClinVar (database versions not stated): ExAC 0.00001; gnomAD exomes 0.00001.
gnomAD v4.1: 20 of 1,613,572 alleles (0.0012%); highest among the groups gnomAD compares: Non-Finnish European, 0.0015%; no homozygotes.

Submissions (2):

GeneDx
Classification: Uncertain significance. Last evaluated: 2024-08-13. Review status: criteria provided, single submitter. Criteria: GeneDx Variant Classification Process June 2021. Collection method: clinical testing. Allele origin: germline. Affected: yes.
Comment: Not observed at significant frequency in large population cohorts (gnomAD); Missense variant in a gene in which most reported pathogenic variants are truncating/loss of function; Has not been previously published as pathogenic or benign to our knowledge

CHEO Genetics Diagnostic Laboratory, Children's Hospital of Eastern Ontario
Classification: Uncertain significance for Cardiomyopathy. Last evaluated: 2020-06-08. Review status: criteria provided, single submitter. Criteria: ACMG Guidelines, 2015. Collection method: clinical testing. Allele origin: germline.